The following is an entry in ClinVar:

NM_001277115.2(DNAH11):c.9924+1G>A

Gene: DNAH11 (dynein axonemal heavy chain 11; plus strand). Cytogenetic location: 7p15.3.
Variant type: single nucleotide variant.
Coding change: c.9924+1G>A on transcript NM_001277115.2 (MANE Select); the canonical splice donor site of the intron after coding-DNA position 9924, G replaced by A.
Molecular consequence: splice donor variant.
Genome position (GRCh38, 1-based): chr7:21,787,584, G>A. VCF-style: chr7-21787584-G-A. GRCh37 (hg19) VCF-style: chr7-21827202-G-A.
Identifiers: ClinVar variation 525434 (VCV000525434.7), dbSNP rs1554281038, ClinGen allele CA366941965.

ClinVar aggregate classification (germline): Likely pathogenic (1 of 4 stars; one submission).

Conditions:
Primary ciliary dyskinesia. Also called: Ciliary dyskinesia. Identifiers: Orphanet 244, MedGen C0008780, MONDO:0016575, HP:0012265.

Submission:

Labcorp Genetics (formerly Invitae), Labcorp
Classification: Likely pathogenic for Primary ciliary dyskinesia. Last evaluated: 2024-02-24. Review status: criteria provided, single submitter. Criteria: Invitae Variant Classification Sherloc (09022015). Collection method: clinical testing. Allele origin: germline.
Comment: This sequence change affects a donor splice site in intron 60 of the DNAH11 gene. It is expected to disrupt RNA splicing. Variants that disrupt the donor or acceptor splice site typically lead to a loss of protein function (PMID: 16199547), and loss-of-function variants in DNAH11 are known to be pathogenic (PMID: 18022865, 20513915, 22184204). This variant is not present in population databases (gnomAD no frequency). This variant has not been reported in the literature in individuals affected with DNAH11-related conditions. ClinVar contains an entry for this variant (Variation ID: 525434). Algorithms developed to predict the effect of sequence changes on RNA splicing suggest that this variant may disrupt the consensus splice site. In summary, the currently available evidence indicates that the variant is pathogenic, but additional data are needed to prove that conclusively. Therefore, this variant has been classified as Likely Pathogenic.

Literature cited by the submitters: PubMed 16199547; PubMed 18022865; PubMed 20513915; PubMed 22184204.